The following is an entry in ClinVar:

ClinVar aggregate classification (germline): Uncertain significance (1 of 4 stars; one submission).

Conditions:
Developmental and epileptic encephalopathy, 53. Also called: Epileptic encephalopathy, early infantile, 53. Identifiers: MedGen C4479313, MONDO:0033362, OMIM 617389.
Early-onset Parkinson disease 20. Also called: PARKINSON DISEASE 20, AUTOSOMAL RECESSIVE EARLY-ONSET. Identifiers: Orphanet 391411, MedGen C3809824, MONDO:0014233, OMIM 615530.

gnomAD v4.1: 5 of 1,549,806 alleles (0.00032%); highest among the groups gnomAD compares: Non-Finnish European, 0.00043%; no homozygotes.

Submission:

Labcorp Genetics (formerly Invitae), Labcorp
Classification: Uncertain significance for Developmental and epileptic encephalopathy, 53; Early-onset Parkinson disease 20. Last evaluated: 2025-02-24. Review status: criteria provided, single submitter. Criteria: Invitae Variant Classification Sherloc (09022015). Collection method: clinical testing. Allele origin: germline.
Comment: This sequence change replaces leucine, which is neutral and non-polar, with methionine, which is neutral and non-polar, at codon 340 of the SYNJ1 protein (p.Leu340Met). This variant is not present in population databases (gnomAD no frequency). This variant has not been reported in the literature in individuals affected with SYNJ1-related conditions. ClinVar contains an entry for this variant (Variation ID: 2003360). Invitae Evidence Modeling of protein sequence and biophysical properties (such as structural, functional, and spatial information, amino acid conservation, physicochemical variation, residue mobility, and thermodynamic stability) indicates that this missense variant is expected to disrupt SYNJ1 protein function with a positive predictive value of 80%. In summary, the available evidence is currently insufficient to determine the role of this variant in disease. Therefore, it has been classified as a Variant of Uncertain Significance.

NM_203446.3(SYNJ1):c.901T>A (p.Leu301Met)

Gene: SYNJ1 (synaptojanin 1; minus strand). Cytogenetic location: 21q22.11.
Variant type: single nucleotide variant.
Coding change: c.901T>A on transcript NM_203446.3 (MANE Select); coding-DNA position 901, T replaced by A.
Protein change: p.Leu301Met; replaces leucine 301 with methionine.
Molecular consequence: missense variant.
Genome position (GRCh38, 1-based): chr21:32,687,025, A>T on the plus strand (T>A on the coding strand, the complement: SYNJ1 is on the minus strand). VCF-style: chr21-32687025-A-T. GRCh37 (hg19) VCF-style: chr21-34059335-A-T.
Other names: c.901T>A, p.Leu301Met (NM_001160302.2, NM_001160306.2); c.1018T>A, p.Leu340Met (NM_003895.4); short protein forms L301M, L340M.
Identifiers: ClinVar variation 2003360 (VCV002003360.4), dbSNP rs2516771532, ClinGen allele CA410093615.